The following is an entry in ClinVar:

ClinVar aggregate classification (germline): Uncertain significance. Review status: criteria provided, multiple submitters, no conflicts (2 of 4 stars). 7 submissions from 5 submitters: Uncertain significance (7). Last evaluated 2023-03-30.

Conditions:
Inborn genetic diseases. Identifiers: MedGen C0950123, MeSH D030342.
Cone-rod dystrophy 13 (CORD13). Identifiers: Orphanet 1872, MedGen C2750720, MONDO:0011987, OMIM 608194.
Leber congenital amaurosis 6 (LCA6). Identifiers: Orphanet 65, MedGen C1854260, MONDO:0013446, OMIM 613826.

Allele frequency attached by ClinVar (database versions not stated): TOPMed 0.00002; gnomAD exomes 0.00004; ExAC 0.00005.
gnomAD v4.1: 60 of 1,599,628 alleles (0.0038%); highest among the groups gnomAD compares: South Asian, 0.03%; no homozygotes.

Submissions (7):

Blueprint Genetics
Classification: Uncertain significance. Last evaluated: 2023-03-30. Review status: criteria provided, single submitter. Criteria: ACMG Guidelines, 2015. Collection method: clinical testing. Allele origin: germline.

Labcorp Genetics (formerly Invitae), Labcorp
Classification: Uncertain significance for Leber congenital amaurosis 6; Cone-rod dystrophy 13. Last evaluated: 2022-08-22. Review status: criteria provided, single submitter. Criteria: Invitae Variant Classification Sherloc (09022015). Collection method: clinical testing. Allele origin: germline.
Comment: This sequence change replaces arginine, which is basic and polar, with glutamine, which is neutral and polar, at codon 888 of the RPGRIP1 protein (p.Arg888Gln). This variant is present in population databases (rs559905596, gnomAD 0.02%). This variant has not been reported in the literature in individuals affected with RPGRIP1-related conditions. ClinVar contains an entry for this variant (Variation ID: 883114). Algorithms developed to predict the effect of missense changes on protein structure and function output the following: SIFT: "Tolerated"; PolyPhen-2: "Benign"; Align-GVGD: "Class C0". The glutamine amino acid residue is found in multiple mammalian species, which suggests that this missense change does not adversely affect protein function. In summary, the available evidence is currently insufficient to determine the role of this variant in disease. Therefore, it has been classified as a Variant of Uncertain Significance.

Ambry Genetics
Classification: Uncertain significance for Inborn genetic diseases. Last evaluated: 2022-02-11. Review status: criteria provided, single submitter. Criteria: Ambry Variant Classification Scheme 2023. Collection method: clinical testing. Allele origin: germline.

Genome-Nilou Lab
Classification: Uncertain significance for Leber congenital amaurosis 6. Last evaluated: 2021-11-07. Review status: criteria provided, single submitter. Criteria: ACMG Guidelines, 2015. Collection method: clinical testing. Allele origin: germline. Affected: no.

Genome-Nilou Lab
Classification: Uncertain significance for Cone-rod dystrophy 13. Last evaluated: 2021-11-07. Review status: criteria provided, single submitter. Criteria: ACMG Guidelines, 2015. Collection method: clinical testing. Allele origin: germline. Affected: no.

Illumina Laboratory Services, Illumina
Classification: Uncertain significance for Leber congenital amaurosis 6. Last evaluated: 2018-01-13. Review status: criteria provided, single submitter. Criteria: ICSL Variant Classification Criteria 13 December 2019. Collection method: clinical testing. Allele origin: germline.

Illumina Laboratory Services, Illumina
Classification: Uncertain significance for Cone-rod dystrophy 13. Last evaluated: 2018-01-13. Review status: criteria provided, single submitter. Criteria: ICSL Variant Classification Criteria 13 December 2019. Collection method: clinical testing. Allele origin: germline.

NM_020366.4(RPGRIP1):c.2663G>A (p.Arg888Gln)

Gene: RPGRIP1 (RPGR interacting protein 1; plus strand). Cytogenetic location: 14q11.2.
Variant type: single nucleotide variant.
Coding change: c.2663G>A on transcript NM_020366.4 (MANE Select); coding-DNA position 2663, G replaced by A.
Protein change: p.Arg888Gln; replaces arginine 888 with glutamine.
Molecular consequence: missense variant. On other transcripts: intron variant (4).
Genome position (GRCh38, 1-based): chr14:21,326,126, G>A. VCF-style: chr14-21326126-G-A. GRCh37 (hg19) VCF-style: chr14-21794285-G-A.
Other names: c.191-1497G>A (NM_001377951.1); c.1589G>A, p.Arg530Gln (NM_001377948.1); c.796+1401G>A (NM_001377949.1); c.689-1497G>A (NM_001377523.1, NM_001377950.1); short protein forms R530Q, R888Q.
Identifiers: ClinVar variation 883114 (VCV000883114.13), dbSNP rs559905596, ClinGen allele CA7089315.